The following is an entry in ClinVar:

NM_001286577.2(C2CD3):c.5286dup (p.Ser1763fs)

Gene: C2CD3 (C2 domain containing 3 centriole elongation regulator; minus strand). Cytogenetic location: 11q13.4.
Variant type: Duplication.
Coding change: c.5286dup on transcript NM_001286577.2 (MANE Select); coding-DNA position 5286, one base duplicated (C; older notation c.5286dupC).
Protein change: p.Ser1763fs; shifts the reading frame from serine 1763.
Molecular consequence: frameshift variant.
Genome position (GRCh38, 1-based): chr11:74,049,412, G duplicated on the plus strand (C on the coding strand, the reverse complement: C2CD3 is on the minus strand). VCF-style (leftmost placement, unchanged base first): chr11-74049411-A-AG. GRCh37 (hg19) VCF-style: chr11-73760456-A-AG.
Other names: c.5286dup, p.Ser1763fs (NM_015531.6); short protein forms S1763fs.
Identifiers: ClinVar variation 2970554 (VCV002970554.3), dbSNP rs1953562945, ClinGen allele CA1982717507.

ClinVar aggregate classification (germline): Pathogenic (1 of 4 stars; one submission).

Allele frequency attached by ClinVar (database versions not stated): TOPMed 0.00001.

Submission:

Labcorp Genetics (formerly Invitae), Labcorp
Classification: Pathogenic. Last evaluated: 2023-01-12. Review status: criteria provided, single submitter. Criteria: Invitae Variant Classification Sherloc (09022015). Collection method: clinical testing. Allele origin: germline.
Comment: For these reasons, this variant has been classified as Pathogenic. This variant has not been reported in the literature in individuals affected with C2CD3-related conditions. This variant is not present in population databases (gnomAD no frequency). This sequence change creates a premature translational stop signal (p.Ser1763Leufs*38) in the C2CD3 gene. It is expected to result in an absent or disrupted protein product. Loss-of-function variants in C2CD3 are known to be pathogenic (PMID: 24997988, 26477546).

Literature cited by the submitters: PubMed 24997988; PubMed 26477546.